The following is an entry in ClinVar:

ClinVar aggregate classification (germline): Benign/Likely benign. Review status: criteria provided, multiple submitters, no conflicts (2 of 4 stars). 5 submissions from 5 submitters: Benign (3); Likely benign (1). 1 of the submissions does not count toward it. Last evaluated 2026-06-26.

Conditions:
ABCA4-related disorder. Also called: ABCA4-related disorders; ABCA4-related condition. Identifiers: MedGen CN239167.

Allele frequency attached by ClinVar (database versions not stated): gnomAD exomes 0.00247; ExAC 0.00314; gnomAD 0.00959 and 0.01008; TOPMed 0.01104; ESP Exome Variant Server 0.01107; 1000 Genomes Project 0.01198; 1000 Genomes Project 30x 0.01374.
gnomAD v4.1: 2,955 of 1,614,094 alleles (0.18%); highest among the groups gnomAD compares: African/African-American, 3.3%; 44 homozygotes.

Submissions (5):

Women's Health and Genetics/Laboratory Corporation of America, LabCorp
Classification: Benign. Last evaluated: 2026-06-26. Review status: criteria provided, single submitter. Criteria: LabCorp Variant Classification Summary - May 2015. Collection method: clinical testing. Allele origin: germline.

Labcorp Genetics (formerly Invitae), Labcorp
Classification: Benign. Last evaluated: 2026-02-01. Review status: criteria provided, single submitter. Criteria: Invitae Variant Classification Sherloc (09022015). Collection method: clinical testing. Allele origin: germline.

Illumina Laboratory Services, Illumina
Classification: Likely benign for ABCA4-Related Disorders. Last evaluated: 2018-01-13. Review status: criteria provided, single submitter. Criteria: ICSL Variant Classification Criteria 13 December 2019. Collection method: clinical testing. Allele origin: germline.
Comment: This variant was observed in the ICSL laboratory as part of a predisposition screen in an ostensibly healthy population. It had not been previously curated by ICSL or reported in the Human Gene Mutation Database (HGMD: prior to June 1st, 2018), and was therefore a candidate for classification through an automated scoring system. Utilizing variant allele frequency, disease prevalence and penetrance estimates, and inheritance mode, an automated score was calculated to assess if this variant is too frequent to cause the disease. Based on the score and internal cut-off values, a variant classified as likely benign is not then subjected to further curation. The score for this variant resulted in a classification of likely benign for this disease.

GeneDx
Classification: Benign. Last evaluated: 2015-03-03. Review status: criteria provided, single submitter. Criteria: GeneDx Variant Classification Process June 2021. Collection method: clinical testing. Allele origin: germline. Affected: yes.

Retina International
No classification provided. Review status: no classification provided. Collection method: not provided. Allele origin: not provided. Not counted in ClinVar's aggregate classification.

NM_000350.3(ABCA4):c.3051-14T>A

Gene: ABCA4 (ATP binding cassette subfamily A member 4; minus strand). Cytogenetic location: 1p22.1.
Variant type: single nucleotide variant.
Coding change: c.3051-14T>A on transcript NM_000350.3 (MANE Select); 14 bases into the intron before coding-DNA position 3051, T replaced by A.
Molecular consequence: intron variant.
Genome position (GRCh38, 1-based): chr1:94,043,489, A>T on the plus strand (T>A on the coding strand, the complement: ABCA4 is on the minus strand). VCF-style: chr1-94043489-A-T. GRCh37 (hg19) VCF-style: chr1-94509045-A-T.
Identifiers: ClinVar variation 99193 (VCV000099193.17), dbSNP rs17110922, ClinGen allele CA227074.
Genomic context (GRCh38, chr1:94,043,489, plus strand): 5'-TTCCTTTCAGCTGGGCATAGAACAGCATGTGCTCAGCCACCGTGAGGCTAGGAGGATGGG[A>T]CAACGAGAAAAGCAGTGGCTTAGCACTTCCACTTCCAGCAGCTGATCTTACAGAAATAAT-3'